The following is an entry in ClinVar:

ClinVar aggregate classification (germline): Uncertain significance (1 of 4 stars; one submission).

Conditions:
Cardiovascular phenotype. Identifiers: MedGen CN230736.

Submission:

Ambry Genetics
Classification: Uncertain significance for Cardiovascular phenotype. Last evaluated: 2026-06-18. Review status: criteria provided, single submitter. Criteria: Ambry Variant Classification Scheme 2023. Collection method: clinical testing. Allele origin: germline.
Comment: The p.A595S variant (also known as c.1783G>T), located in coding exon 4 of the JPH2 gene, results from a G to T substitution at nucleotide position 1783. The alanine at codon 595 is replaced by serine, an amino acid with similar properties. This amino acid position is conserved. In addition, this alteration is predicted to be tolerated by in silico analysis. Based on the available evidence, the clinical significance of this variant remains unclear.

NM_020433.5(JPH2):c.1783G>T (p.Ala595Ser)

Gene: JPH2 (junctophilin 2; minus strand). Cytogenetic location: 20q13.12.
Variant type: single nucleotide variant.
Coding change: c.1783G>T on transcript NM_020433.5 (MANE Select); coding-DNA position 1783, G replaced by T.
Protein change: p.Ala595Ser; replaces alanine 595 with serine.
Molecular consequence: missense variant.
Genome position (GRCh38, 1-based): chr20:44,115,892, C>A on the plus strand (G>T on the coding strand, the complement: JPH2 is on the minus strand). VCF-style: chr20-44115892-C-A. GRCh37 (hg19) VCF-style: chr20-42744532-C-A.
Other names: short protein forms A595S.
Identifiers: ClinVar variation 5022897 (VCV005022897.1).
Genomic context (GRCh38, chr20:44,115,892, plus strand): 5'-CAGGCTCGGGGCCTCGGAGCGTGGGGGCCTGCAGCGGGGCGGTGGCCGGGGACGAGGGCG[C>A]GGACTCGGACCCGGAGACCTCGGGCTCGGGCTGGTCCTCAAAGGGTGGGGGCTCGGGCGG-3'
Protein context (NP_065166.2, residues 585-605): PEPEVSGSES[Ala595Ser]PSSPATAPLQ